The following is an entry in ClinVar:

ClinVar aggregate classification (germline): Uncertain significance. Review status: criteria provided, multiple submitters, no conflicts (2 of 4 stars). 2 submissions from 2 submitters: Uncertain significance (2). Last evaluated 2025-04-07.

Conditions:
Inborn genetic diseases. Identifiers: MedGen C0950123, MeSH D030342.
Macrocephaly-developmental delay syndrome (MRT41). Also called: INTELLECTUAL DEVELOPMENTAL DISORDER, AUTOSOMAL RECESSIVE 41. Identifiers: Orphanet 397612, MedGen C3810225, MONDO:0014289, OMIM 615637.

Allele frequency attached by ClinVar (database versions not stated): gnomAD 0.00003.
gnomAD v4.1: 33 of 1,596,670 alleles (0.0021%); highest among the groups gnomAD compares: East Asian, 0.063%; no homozygotes.

Submissions (2):

Labcorp Genetics (formerly Invitae), Labcorp
Classification: Uncertain significance for Macrocephaly-developmental delay syndrome. Last evaluated: 2025-04-07. Review status: criteria provided, single submitter. Criteria: Invitae Variant Classification Sherloc (09022015). Collection method: clinical testing. Allele origin: germline.
Comment: This sequence change replaces methionine, which is neutral and non-polar, with isoleucine, which is neutral and non-polar, at codon 2 of the KPTN protein (p.Met2Ile). This variant is present in population databases (rs764333009, gnomAD 0.1%). This variant has not been reported in the literature in individuals affected with KPTN-related conditions. ClinVar contains an entry for this variant (Variation ID: 2720623). An algorithm developed to predict the effect of missense changes on protein structure and function (PolyPhen-2) suggests that this variant is likely to be disruptive. In summary, the available evidence is currently insufficient to determine the role of this variant in disease. Therefore, it has been classified as a Variant of Uncertain Significance.

Ambry Genetics
Classification: Uncertain significance for Inborn genetic diseases. Last evaluated: 2024-03-20. Review status: criteria provided, single submitter. Criteria: Ambry Variant Classification Scheme 2023. Collection method: clinical testing. Allele origin: germline.

NM_007059.4(KPTN):c.6G>A (p.Met2Ile)

Genes: KPTN (kaptin, actin binding protein; minus strand), LOC130064810 (ATAC-STARR-seq lymphoblastoid active region 14865; plus strand). Cytogenetic location: 19q13.32.
Variant type: single nucleotide variant.
Coding change: c.6G>A on transcript NM_007059.4 (MANE Select); coding-DNA position 6, G replaced by A.
Protein change: p.Met2Ile; replaces methionine 2 with isoleucine.
Molecular consequence: missense variant. On other transcripts: non-coding transcript variant (1).
Genome position (GRCh38, 1-based): chr19:47,484,155, C>T on the plus strand (G>A on the coding strand, the complement: KPTN is on the minus strand). VCF-style: chr19-47484155-C-T. GRCh37 (hg19) VCF-style: chr19-47987412-C-T.
Other names: c.6G>A (NM_007059.2); c.6G>A, p.Met2Ile (NM_001291296.2); short protein forms M2I.
Identifiers: ClinVar variation 2720623 (VCV002720623.4), dbSNP rs764333009, ClinGen allele CA9540582.